The following is an entry in ClinVar:

ClinVar aggregate classification (germline): Uncertain significance (1 of 4 stars; one submission).

gnomAD v4.1: 14 of 1,611,460 alleles (0.00087%); highest among the groups gnomAD compares: Non-Finnish European, 0.0012%; no homozygotes.

Submission:

Labcorp Genetics (formerly Invitae), Labcorp
Classification: Uncertain significance. Last evaluated: 2025-11-03. Review status: criteria provided, single submitter. Criteria: Invitae Variant Classification Sherloc (09022015). Collection method: clinical testing. Allele origin: germline.
Comment: This sequence change replaces glutamine, which is neutral and polar, with histidine, which is basic and polar, at codon 1467 of the SORL1 protein (p.Gln1467His). This variant is not present in population databases (gnomAD no frequency). This variant has not been reported in the literature in individuals affected with SORL1-related conditions. ClinVar contains an entry for this variant (Variation ID: 1910526). An algorithm developed to predict the effect of missense changes on protein structure and function outputs the following: PolyPhen-2: "Benign". The histidine amino acid residue is found in multiple mammalian species, which suggests that this missense change does not adversely affect protein function. In summary, the available evidence is currently insufficient to determine the role of this variant in disease. Therefore, it has been classified as a Variant of Uncertain Significance.

NM_003105.6(SORL1):c.4401A>T (p.Gln1467His)

Genes: SORL1 (sortilin related receptor 1; plus strand), LOC126861368 (P300/CBP strongly-dependent group 1 enhancer GRCh37_chr11:121465964-121467163; plus strand). Cytogenetic location: 11q24.1.
Variant type: single nucleotide variant.
Coding change: c.4401A>T on transcript NM_003105.6 (MANE Select); coding-DNA position 4401, A replaced by T.
Protein change: p.Gln1467His; replaces glutamine 1467 with histidine.
Molecular consequence: missense variant.
Genome position (GRCh38, 1-based): chr11:121,595,654, A>T. VCF-style: chr11-121595654-A-T. GRCh37 (hg19) VCF-style: chr11-121466363-A-T.
Other names: short protein forms Q1467H.
Identifiers: ClinVar variation 1910526 (VCV001910526.5), dbSNP rs773670872, ClinGen allele CA383034843.